The following is an entry in ClinVar:

ClinVar aggregate classification (germline): Uncertain significance (1 of 4 stars; one submission).

gnomAD v4.1: 1 of 1,612,788 alleles (0.000062%); highest among the groups gnomAD compares: East Asian, 0.0022%; no homozygotes.

Submission:

Labcorp Genetics (formerly Invitae), Labcorp
Classification: Uncertain significance. Last evaluated: 2025-03-18. Review status: criteria provided, single submitter. Criteria: Invitae Variant Classification Sherloc (09022015). Collection method: clinical testing. Allele origin: germline.
Comment: This sequence change replaces arginine, which is basic and polar, with isoleucine, which is neutral and non-polar, at codon 211 of the VPS33A protein (p.Arg211Ile). This variant is not present in population databases (gnomAD no frequency). This variant has not been reported in the literature in individuals affected with VPS33A-related conditions. Invitae Evidence Modeling of protein sequence and biophysical properties (such as structural, functional, and spatial information, amino acid conservation, physicochemical variation, residue mobility, and thermodynamic stability) indicates that this missense variant is not expected to disrupt VPS33A protein function with a negative predictive value of 80%. In summary, the available evidence is currently insufficient to determine the role of this variant in disease. Therefore, it has been classified as a Variant of Uncertain Significance.

NM_022916.6(VPS33A):c.632G>T (p.Arg211Ile)

Gene: VPS33A (VPS33A core subunit of CORVET and HOPS complexes; minus strand). Cytogenetic location: 12q24.31.
Variant type: single nucleotide variant.
Coding change: c.632G>T on transcript NM_022916.6 (MANE Select); coding-DNA position 632, G replaced by T.
Protein change: p.Arg211Ile; replaces arginine 211 with isoleucine.
Molecular consequence: missense variant.
Genome position (GRCh38, 1-based): chr12:122,250,014, C>A on the plus strand (G>T on the coding strand, the complement: VPS33A is on the minus strand). VCF-style: chr12-122250014-C-A. GRCh37 (hg19) VCF-style: chr12-122734561-C-A.
Other names: c.599G>T, p.Arg200Ile (NM_001351018.2); c.584G>T, p.Arg195Ile (NM_001351019.2); c.632G>T, p.Arg211Ile (NM_001351020.2); short protein forms R200I, R195I, R211I.
Identifiers: ClinVar variation 4698391 (VCV004698391.1).